The following is an entry in ClinVar:

NM_000057.4(BLM):c.3352T>G (p.Phe1118Val)

Gene: BLM (BLM RecQ like helicase; plus strand). Cytogenetic location: 15q26.1.
Variant type: single nucleotide variant.
Coding change: c.3352T>G on transcript NM_000057.4 (MANE Select); coding-DNA position 3352, T replaced by G.
Protein change: p.Phe1118Val; replaces phenylalanine 1118 with valine.
Molecular consequence: missense variant.
Genome position (GRCh38, 1-based): chr15:90,798,331, T>G. VCF-style: chr15-90798331-T-G. GRCh37 (hg19) VCF-style: chr15-91341561-T-G.
Other names: c.3352T>G (NM_000057.2); c.3352T>G, p.Phe1118Val (NM_001287246.2, NM_001287247.2); c.2227T>G, p.Phe743Val (NM_001287248.2); short protein forms F1118V, F743V.
Identifiers: ClinVar variation 1057259 (VCV001057259.13), dbSNP rs2151190485, ClinGen allele CA393847398.

ClinVar aggregate classification (germline): Uncertain significance. Review status: criteria provided, multiple submitters, no conflicts (2 of 4 stars). 3 submissions from 3 submitters: Uncertain significance (2). 1 of the submissions does not count toward it. Last evaluated 2025-10-15.

Conditions:
Hereditary cancer-predisposing syndrome. Also called: Hereditary Cancer Syndrome; Tumor predisposition; Hereditary neoplastic syndrome; Neoplastic Syndromes, Hereditary. Identifiers: Orphanet 140162, MedGen C0027672, MeSH D009386, MONDO:0015356.
Bloom syndrome (BLM). Also called: Bloom-Torre-Machacek syndrome. Identifiers: Orphanet 125, MedGen C0005859, MONDO:0008876, OMIM 210900.

Submissions (3):

Ambry Genetics
Classification: Uncertain significance for Hereditary cancer-predisposing syndrome. Last evaluated: 2025-10-15. Review status: criteria provided, single submitter. Criteria: Ambry Variant Classification Scheme 2023. Collection method: clinical testing. Allele origin: germline.
Comment: The p.F1118V variant (also known as c.3352T>G), located in coding exon 16 of the BLM gene, results from a T to G substitution at nucleotide position 3352. The phenylalanine at codon 1118 is replaced by valine, an amino acid with highly similar properties. This amino acid position is conserved. In addition, this alteration is predicted to be deleterious by in silico analysis. Based on the available evidence, the clinical significance of this variant remains unclear.

Labcorp Genetics (formerly Invitae), Labcorp
Classification: Uncertain significance for Bloom syndrome. Last evaluated: 2020-07-30. Review status: criteria provided, single submitter. Criteria: Invitae Variant Classification Sherloc (09022015). Collection method: clinical testing. Allele origin: germline.
Comment: In summary, the available evidence is currently insufficient to determine the role of this variant in disease. Therefore, it has been classified as a Variant of Uncertain Significance. Algorithms developed to predict the effect of missense changes on protein structure and function are either unavailable or do not agree on the potential impact of this missense change (SIFT: "Deleterious"; PolyPhen-2: "Probably Damaging"; Align-GVGD: "Class C0"). This variant has not been reported in the literature in individuals with BLM-related conditions. This variant is not present in population databases (ExAC no frequency). This sequence change replaces phenylalanine with valine at codon 1118 of the BLM protein (p.Phe1118Val). The phenylalanine residue is moderately conserved and there is a small physicochemical difference between phenylalanine and valine.

Natera, Inc.
Classification: Uncertain significance for Bloom syndrome. Last evaluated: 2019-09-30. Review status: no assertion criteria provided. Collection method: clinical testing. Allele origin: germline. Not counted in ClinVar's aggregate classification.